The following is an entry in ClinVar:

ClinVar aggregate classification (germline): Uncertain significance. Review status: criteria provided, multiple submitters, no conflicts (2 of 4 stars). 2 submissions from 2 submitters: Uncertain significance (2). Last evaluated 2024-10-07.

Conditions:
Inborn genetic diseases. Identifiers: MedGen C0950123, MeSH D030342.
Ehlers-Danlos syndrome, musculocontractural type 2 (EDSMC2). Identifiers: Orphanet 2953, MedGen C3809845, MONDO:0014236, OMIM 615539.

Allele frequency attached by ClinVar (database versions not stated): TOPMed below 0.00001; gnomAD 0.00001; gnomAD exomes 0.00004; ExAC 0.00011.

Submissions (2):

Ambry Genetics
Classification: Uncertain significance for Inborn genetic diseases. Last evaluated: 2024-10-07. Review status: criteria provided, single submitter. Criteria: Ambry Variant Classification Scheme 2023. Collection method: clinical testing. Allele origin: germline.

Labcorp Genetics (formerly Invitae), Labcorp
Classification: Uncertain significance for Ehlers-Danlos syndrome, musculocontractural type 2. Last evaluated: 2022-08-11. Review status: criteria provided, single submitter. Criteria: Invitae Variant Classification Sherloc (09022015). Collection method: clinical testing. Allele origin: germline.
Comment: In summary, the available evidence is currently insufficient to determine the role of this variant in disease. Therefore, it has been classified as a Variant of Uncertain Significance. Algorithms developed to predict the effect of missense changes on protein structure and function output the following: SIFT: "Not Available"; PolyPhen-2: "Benign"; Align-GVGD: "Not Available". The glycine amino acid residue is found in multiple mammalian species, which suggests that this missense change does not adversely affect protein function. This variant has not been reported in the literature in individuals affected with DSE-related conditions. This variant is present in population databases (rs776155011, gnomAD 0.07%). This sequence change replaces valine, which is neutral and non-polar, with glycine, which is neutral and non-polar, at codon 20 of the DSE protein (p.Val20Gly).

NM_013352.4(DSE):c.59T>G (p.Val20Gly)

Gene: DSE (dermatan sulfate epimerase; plus strand). Cytogenetic location: 6q22.1.
Variant type: single nucleotide variant.
Coding change: c.59T>G on transcript NM_013352.4 (MANE Select); coding-DNA position 59, T replaced by G.
Protein change: p.Val20Gly; replaces valine 20 with glycine.
Molecular consequence: missense variant. On other transcripts: 5 prime UTR variant (4), non-coding transcript variant (1).
Genome position (GRCh38, 1-based): chr6:116,399,309, T>G. VCF-style: chr6-116399309-T-G. GRCh37 (hg19) VCF-style: chr6-116720472-T-G.
Other names: c.59T>G, p.Val20Gly (NM_001080976.3, NM_001322937.2, NM_001322938.2 and 3 more transcripts); c.116T>G, p.Val39Gly (NM_001322939.2); c.-499T>G (NM_001322940.2, NM_001322941.2); c.-842T>G (NM_001374520.1); c.-529T>G (NM_001374521.1); c.59T>G (NM_013352.2); short protein forms V20G, V39G.
Identifiers: ClinVar variation 2189734 (VCV002189734.5), dbSNP rs776155011, ClinGen allele CA3969446.